The following is an entry in ClinVar:

NM_002230.4(JUP):c.352G>A (p.Glu118Lys)

Gene: JUP (junction plakoglobin; minus strand). Cytogenetic location: 17q21.2.
Variant type: single nucleotide variant.
Coding change: c.352G>A on transcript NM_002230.4 (MANE Select); coding-DNA position 352, G replaced by A.
Protein change: p.Glu118Lys; replaces glutamic acid 118 with lysine.
Molecular consequence: missense variant.
Genome position (GRCh38, 1-based): chr17:41,769,534, C>T on the plus strand (G>A on the coding strand, the complement: JUP is on the minus strand). VCF-style: chr17-41769534-C-T. GRCh37 (hg19) VCF-style: chr17-39925786-C-T.
Other names: c.352G>A, p.Glu118Lys (NM_001352773.2, NM_001352774.2, NM_001352775.2 and 3 more transcripts); short protein forms E118K.
Identifiers: ClinVar variation 191676 (VCV000191676.16), dbSNP rs149004293, ClinGen allele CA237235.
Genomic context (GRCh38, chr17:41,769,534, plus strand): 5'-CGGCATCGTCCTGGTAGTTGATGAGATGCACAATGGCCGACTTGAGCAGCTGGGACGGCT[C>T]GGCCAGTCGCTGCAGGTTGGTGGCCTGCCCCTCCACCTGGGTGGCCAGCAGAAGCGAGCT-3'
Protein context (NP_002221.1, residues 108-128): GQATNLQRLA[Glu118Lys]PSQLLKSAIV

ClinVar aggregate classification (germline): Conflicting classifications of pathogenicity. Review status: criteria provided, conflicting classifications (1 of 4 stars). 8 submissions from 8 submitters: Uncertain significance (5); Benign (1); Likely benign (1). 1 of the submissions does not count toward it. Last evaluated 2025-11-05.

Conditions:
Cardiovascular phenotype. Identifiers: MedGen CN230736.
Arrhythmogenic right ventricular dysplasia 12. Also called: ARRHYTHMOGENIC RIGHT VENTRICULAR DYSPLASIA, FAMILIAL, 12. Identifiers: MedGen C1969081, MONDO:0012684, OMIM 611528.
Naxos disease (NXD). Also called: CARDIOMYOPATHY, ARRHYTHMOGENIC RIGHT VENTRICULAR, WITH SKIN, HAIR, AND NAIL ABNORMALITIES; KERATOSIS PALMOPLANTARIS WITH ARRHYTHMOGENIC CARDIOMYOPATHY; MAL DE NAXOS; PALMOPLANTAR KERATODERMA WITH ARRHYTHMOGENIC RIGHT VENTRICULAR CARDIOMYOPATHY AND WOOLLY HAIR; WOOLLY HAIR, PALMOPLANTAR KERATODERMA, AND CARDIAC ABNORMALITIES. Identifiers: Orphanet 34217, MedGen C1832600, MONDO:0011017, OMIM 601214.
Left ventricular hypertrophy. Identifiers: MedGen C0149721, HP:0001712.

Allele frequency attached by ClinVar (database versions not stated): ExAC 0.00003; gnomAD exomes 0.00005; gnomAD 0.00009 and 0.00011; TOPMed 0.00009.
gnomAD v4.1: 47 of 1,610,134 alleles (0.0029%); highest among the groups gnomAD compares: African/African-American, 0.028%; no homozygotes.

Submissions (8):

Labcorp Genetics (formerly Invitae), Labcorp
Classification: Uncertain significance for Arrhythmogenic right ventricular dysplasia 12; Naxos disease. Last evaluated: 2025-11-05. Review status: criteria provided, single submitter. Criteria: Invitae Variant Classification Sherloc (09022015). Collection method: clinical testing. Allele origin: germline.
Comment: This sequence change replaces glutamic acid, which is acidic and polar, with lysine, which is basic and polar, at codon 118 of the JUP protein (p.Glu118Lys). This variant is present in population databases (rs149004293, gnomAD 0.06%). This variant has not been reported in the literature in individuals affected with JUP-related conditions. ClinVar contains an entry for this variant (Variation ID: 191676). An algorithm developed to predict the effect of missense changes on protein structure and function (PolyPhen-2) suggests that this variant is likely to be disruptive. In summary, the available evidence is currently insufficient to determine the role of this variant in disease. Therefore, it has been classified as a Variant of Uncertain Significance.

Women's Health and Genetics/Laboratory Corporation of America, LabCorp
Classification: Likely benign. Last evaluated: 2024-12-20. Review status: criteria provided, single submitter. Criteria: LabCorp Variant Classification Summary - May 2015. Collection method: clinical testing. Allele origin: germline.

ARUP Laboratories, Molecular Genetics and Genomics, ARUP Laboratories
Classification: Uncertain significance. Last evaluated: 2023-08-16. Review status: criteria provided, single submitter. Criteria: ARUP Molecular Germline Variant Investigation Process 2024. Collection method: clinical testing. Allele origin: germline.
Comment: The JUP c.352G>A; p.Glu118Lys variant (rs149004293), to our knowledge, is not reported in the medical literature but is reported in ClinVar (Variation ID: 191676). This variant is found in the African/African-American population with an allele frequency of 0.0549% (13/23,676 alleles) in the Genome Aggregation Database. Computational analyses are uncertain whether this variant is neutral or deleterious (REVEL: 0.4). Due to limited information, the clinical significance of this variant is uncertain at this time.

Ambry Genetics
Classification: Benign for Cardiovascular phenotype. Last evaluated: 2022-08-11. Review status: criteria provided, single submitter. Criteria: Ambry Variant Classification Scheme 2023. Collection method: clinical testing. Allele origin: germline.

Fulgent Genetics
Classification: Uncertain significance for Naxos disease; Arrhythmogenic right ventricular dysplasia 12. Last evaluated: 2021-07-28. Review status: criteria provided, single submitter. Criteria: ACMG Guidelines, 2015. Collection method: clinical testing. Allele origin: unknown.

GeneDx
Classification: Uncertain significance. Last evaluated: 2019-09-12. Review status: criteria provided, single submitter. Criteria: GeneDx Variant Classification Process June 2021. Collection method: clinical testing. Allele origin: germline. Affected: yes.
Comment: In silico analysis, which includes protein predictors and evolutionary conservation, supports a deleterious effect; Observed in 0.0066% (18/271148) of global alleles in large population cohorts (Lek et al., 2016); Reported in ClinVar as a variant of uncertain significance (ClinVar Variant ID# 191676; Landrum et al., 2016); Reported as a variant of uncertain significance in one individual from a cohort of individuals not selected for cardiomyopathy, arrhythmia, or family history of sudden cardiac death, who underwent exome sequencing (Ng et al., 2013); This variant is associated with the following publications: (PMID: 23861362)

Biesecker Lab/Clinical Genomics Section, National Institutes of Health
Classification: Uncertain significance. Last evaluated: 2013-06-24. Review status: criteria provided, single submitter. Criteria: Ng et al. (Circ Cardiovasc Genet. 2013). Collection method: research. Allele origin: unknown. Observed: 1 variant allele. Study: ClinSeq.
Comment: The study set was not selected for affection status in relation to any cancer. Pathogenicity categories were based on literature curation. See Pubmed ID:23861362 for details.

Medical sequencing

Clinical Molecular Genetics Laboratory, Johns Hopkins All Children's Hospital
Classification: Uncertain significance for Left ventricular hypertrophy. Last evaluated: 2016-01-22. Review status: no assertion criteria provided. Collection method: clinical testing. Allele origin: germline. Affected: yes. Not counted in ClinVar's aggregate classification.